The following is an entry in ClinVar:

NM_001134407.3(GRIN2A):c.2007+101C>T

Gene: GRIN2A (glutamate ionotropic receptor NMDA type subunit 2A; minus strand). Cytogenetic location: 16p13.2.
Variant type: single nucleotide variant.
Coding change: c.2007+101C>T on transcript NM_001134407.3 (MANE Select); 101 bases into the intron after coding-DNA position 2007, C replaced by T.
Molecular consequence: intron variant.
Genome position (GRCh38, 1-based): chr16:9,829,322, G>A on the plus strand (C>T on the coding strand, the complement: GRIN2A is on the minus strand). VCF-style: chr16-9829322-G-A. GRCh37 (hg19) VCF-style: chr16-9923179-G-A.
Other names: c.2007+101C>T (NM_001134408.2, NM_000833.5).
Identifiers: ClinVar variation 675086 (VCV000675086.1), dbSNP rs11642764, ClinGen allele CA278180067.

ClinVar aggregate classification (germline): Benign (1 of 4 stars; one submission).

Allele frequency attached by ClinVar (database versions not stated): 1000 Genomes Project 0.23423; 1000 Genomes Project 30x 0.23844; gnomAD 0.27894 and 0.28631; TOPMed 0.28139.
gnomAD v4.1: 193,215 of 749,762 alleles (26%); highest among the groups gnomAD compares: African/African-American, 36%; 26,320 homozygotes.

Submission:

GeneDx
Classification: Benign. Last evaluated: 2018-06-19. Review status: criteria provided, single submitter. Criteria: GeneDx Variant Classification (06012015). Collection method: clinical testing. Allele origin: germline. Affected: yes.
Comment: This variant is considered likely benign or benign based on one or more of the following criteria: it is a conservative change, it occurs at a poorly conserved position in the protein, it is predicted to be benign by multiple in silico algorithms, and/or has population frequency not consistent with disease.